The following is an entry in ClinVar:

ClinVar aggregate classification (germline): Benign/Likely benign. Review status: criteria provided, multiple submitters, no conflicts (2 of 4 stars). 3 submissions from 3 submitters: Benign (1); Likely benign (2). Last evaluated 2026-05-05.

Conditions:
Colorectal cancer, hereditary nonpolyposis, type 7. Identifiers: Orphanet 144, MedGen C1858380, MONDO:0013725, OMIM 614385.

Allele frequency attached by ClinVar (database versions not stated): gnomAD exomes below 0.00001; gnomAD 0.00001; TOPMed 0.00001.
gnomAD v4.1: 3 of 1,614,080 alleles (0.00019%); highest among the groups gnomAD compares: Non-Finnish European, 0.00025%; no homozygotes.

Submissions (3):

Myriad Genetics, Inc.
Classification: Benign for Colorectal cancer, hereditary nonpolyposis, type 7. Last evaluated: 2026-05-05. Review status: criteria provided, single submitter. Criteria: Myriad Autosomal Dominant, Autosomal Recessive and X-Linked Classification Criteria (2023). Collection method: clinical testing. Allele origin: unknown.
Comment: This variant is considered benign. This variant is a silent/synonymous amino acid change and it is not expected to impact splicing.

Labcorp Genetics (formerly Invitae), Labcorp
Classification: Likely benign for Colorectal cancer, hereditary nonpolyposis, type 7. Last evaluated: 2025-10-09. Review status: criteria provided, single submitter. Criteria: Invitae Variant Classification Sherloc (09022015). Collection method: clinical testing. Allele origin: germline.

Ambry Genetics
Classification: Likely benign. Last evaluated: 2021-04-27. Review status: criteria provided, single submitter. Criteria: Ambry Variant Classification Scheme 2023. Collection method: clinical testing. Allele origin: germline.

NM_001040108.2(MLH3):c.3129T>C (p.Asp1043=)

Gene: MLH3 (mutL homolog 3; minus strand). Cytogenetic location: 14q24.3.
Variant type: single nucleotide variant.
Coding change: c.3129T>C on transcript NM_001040108.2 (MANE Select); coding-DNA position 3129, T replaced by C.
Protein change: p.Asp1043=; no amino-acid change (aspartic acid 1043 retained).
Molecular consequence: synonymous variant.
Genome position (GRCh38, 1-based): chr14:75,046,527, A>G on the plus strand (T>C on the coding strand, the complement: MLH3 is on the minus strand). VCF-style: chr14-75046527-A-G. GRCh37 (hg19) VCF-style: chr14-75513230-A-G.
Other names: c.3129T>C, p.Asp1043= (NM_014381.3).
Identifiers: ClinVar variation 1727928 (VCV001727928.4), dbSNP rs1396629098, ClinGen allele CA487177399.